The following is an entry in ClinVar:

ClinVar aggregate classification (germline): Benign/Likely benign. Review status: criteria provided, multiple submitters, no conflicts (2 of 4 stars). 6 submissions from 6 submitters: Benign (5); Likely benign (1). Last evaluated 2026-02-04.

Conditions:
Primary ciliary dyskinesia 6. Also called: Primary Ciliary Dyskinesia 6: TXNDC3-Related Primary Ciliary Dyskinesia. Identifiers: Orphanet 244, MedGen C1970506, MONDO:0012571, OMIM 610852.

Allele frequency attached by ClinVar (database versions not stated): ESP Exome Variant Server 0.44110; gnomAD 0.45910 and 0.46914; TOPMed 0.46114; 1000 Genomes Project 30x 0.54575; 1000 Genomes Project 0.55331.
gnomAD v4.1: 769,778 of 1,576,702 alleles (49%); highest among the groups gnomAD compares: East Asian, 74%; 192,122 homozygotes.

Submissions (7):

Labcorp Genetics (formerly Invitae), Labcorp
Classification: Benign for Primary ciliary dyskinesia 6. Last evaluated: 2026-02-04. Review status: criteria provided, single submitter. Criteria: Invitae Variant Classification Sherloc (09022015). Collection method: clinical testing. Allele origin: germline.

Blueprint Genetics
Classification: Likely benign. Last evaluated: 2024-11-27. Review status: criteria provided, single submitter. Criteria: ACMG Guidelines, 2015. Collection method: clinical testing. Allele origin: germline.

Genome-Nilou Lab
Classification: Benign for Primary ciliary dyskinesia 6. Last evaluated: 2021-09-05. Review status: criteria provided, single submitter. Criteria: ACMG Guidelines, 2015. Collection method: clinical testing. Allele origin: germline. Affected: no.

GeneDx
Classification: Benign. Last evaluated: 2018-11-12. Review status: criteria provided, single submitter. Criteria: GeneDx Variant Classification Process June 2021. Collection method: clinical testing. Allele origin: germline. Affected: yes.

Laboratory for Molecular Medicine, Mass General Brigham Personalized Medicine
Classification: Benign. Last evaluated: 2013-02-21. Review status: criteria provided, single submitter. Criteria: LMM Criteria. Collection method: clinical testing. Allele origin: germline. Observed: 68 variant alleles.
Comment: 1140-10T>G in intron 13 of TXNDC3: This variant is not expected to have clinical significance because it has been identified in 46.9% (4032/8598) of European Am erican chromosomes from a broad population by the NHLBI Exome Sequencing Project (dbSNP rs1530822).

PreventionGenetics, part of Exact Sciences
Classification: Benign. Review status: criteria provided, single submitter. Criteria: ACMG Guidelines, 2015. Collection method: clinical testing. Allele origin: germline.

Dr. Peter K. Rogan Lab, Western University
No classification provided (evidence only). Condition: Familial cancer of breast. Review status: no classification provided. Collection method: in vitro. Allele origin: not applicable. Functional consequence: retained intron. Not counted in ClinVar's aggregate classification.

NM_016616.5(NME8):c.1140-10T>G

Gene: NME8 (NME/NM23 family member 8; plus strand). Cytogenetic location: 7p14.1.
Variant type: single nucleotide variant.
Coding change: c.1140-10T>G on transcript NM_016616.5 (MANE Select); 10 bases into the intron before coding-DNA position 1140, T replaced by G.
Molecular consequence: intron variant.
Genome position (GRCh38, 1-based): chr7:37,885,135, T>G. VCF-style: chr7-37885135-T-G. GRCh37 (hg19) VCF-style: chr7-37924737-T-G.
Identifiers: ClinVar variation 164804 (VCV000164804.20), dbSNP rs1530822, ClinGen allele CA177510.
Genomic context (GRCh38, chr7:37,885,135, plus strand): 5'-TATTGCCTATACATAATTAGCTACTGAGCTACACTTCTTATTACCTCTTCTTTGTTTTCT[T>G]TTCTAATAGTGGTCCATCTCTAGCCCTTGTTTTATTGAGAGACAATGGCTTGCAATACTG-3'